The following is an entry in ClinVar:

ClinVar aggregate classification (germline): Likely pathogenic. Review status: criteria provided, single submitter (1 of 4 stars). 2 submissions from 2 submitters: Likely pathogenic (1). 1 of the submissions does not count toward it. Last evaluated 2025-09-01.

Conditions:
Ectodermal dysplasia 10B, hypohidrotic/hair/tooth type, autosomal recessive. Also called: Ectodermal Dysplasia, Hypohidrotic, Autosomal Recessive; Ectodermal dysplasia 10B, hypohidrotic/hair/tooth type, autosomal. Identifiers: Orphanet 238468, Orphanet 248, MedGen C3887494, MONDO:0009147, OMIM 224900.

gnomAD v4.1: 1 of 1,614,102 alleles (0.000062%); highest among the groups gnomAD compares: Non-Finnish European, 0.000085%; no homozygotes.

Submissions (2):

CeGaT Center for Human Genetics Tuebingen
Classification: Likely pathogenic. Last evaluated: 2025-09-01. Review status: criteria provided, single submitter. Criteria: CeGaT Center For Human Genetics Tuebingen Variant Classification Criteria Version 2. Collection method: clinical testing. Allele origin: germline. Affected: yes. Observed: 2 variant alleles.
Comment: EDAR: PVS1:Strong, PM2

Biochemical Molecular Genetic Laboratory, King Abdulaziz Medical City
Classification: Pathogenic for Ectodermal dysplasia 10B, hypohidrotic/hair/tooth type, autosomal recessive. Last evaluated: 2020-02-05. Review status: no assertion criteria provided. Collection method: clinical testing. Allele origin: germline. Affected: yes. Not counted in ClinVar's aggregate classification.

NM_022336.4(EDAR):c.93C>A (p.Cys31Ter)

Genes: EDAR (ectodysplasin A receptor; minus strand), RANBP2 (RAN binding protein 2; plus strand). Cytogenetic location: 2q13.
Variant type: single nucleotide variant.
Coding change: c.93C>A on transcript NM_022336.4 (MANE Select); coding-DNA position 93, C replaced by A.
Protein change: p.Cys31Ter; replaces cysteine 31 with a stop codon.
Molecular consequence: nonsense.
Genome position (GRCh38, 1-based): chr2:108,930,201, G>T on the plus strand (C>A on the coding strand, the complement: EDAR is on the minus strand). VCF-style: chr2-108930201-G-T. GRCh37 (hg19) VCF-style: chr2-109546657-G-T.
Other names: short protein forms C31*.
Identifiers: ClinVar variation 828108 (VCV000828108.9), dbSNP rs749688157, ClinGen allele CA348116108.